The following is an entry in ClinVar:

NC_000008.10:g.(87656915_87660028)_(87666291_87679152)del

Gene: CNGB3 (cyclic nucleotide gated channel subunit beta 3; minus strand). Cytogenetic location: 8q21.3.
Variant type: Deletion.
Identifiers: ClinVar variation 3366414 (VCV003366414.1).

ClinVar aggregate classification (germline): Pathogenic (1 of 4 stars; one submission).

Conditions:
Achromatopsia 3 (ACHM3). Also called: ROD MONOCHROMACY 1; ROD MONOCHROMATISM 1; ACHROMATOPSIA WITH MYOPIA; PINGELAPESE BLINDNESS; TOTAL COLORBLINDNESS WITH MYOPIA. Identifiers: Orphanet 49382, MedGen C1849792, MONDO:0009875, OMIM 262300.

Submission:

Women's Health and Genetics/Laboratory Corporation of America, LabCorp
Classification: Pathogenic for Achromatopsia 3. Last evaluated: 2024-08-07. Review status: criteria provided, single submitter. Criteria: LabCorp Variant Classification Summary - May 2015. Collection method: clinical testing. Allele origin: germline.
Comment: Variant summary: The variant involves the deletion of exons 7-8 in the CNGB3 gene. A presumed nomenclature of c.(852+1_853-1)_(990+1_991-1)del has been designated for the purposes of this classification. This Copy Number Variant (CNV) is predicted to result in an in-frame deletion within this gene. The variant was absent in 21694 control chromosomes. To our knowledge, no occurrence of c.(852+1_853-1)_(990+1_991-1)del in individuals affected with Achromatopsia and no experimental evidence demonstrating its impact on protein function have been reported. At least 1 missense variant in the deleted region (p.Thr296Ser) has been classified as pathogenic (CV ID: 2158835), suggesting that loss of these exons is deleterious. No submitters have cited clinical-significance assessments for this variant to ClinVar. Based on the evidence outlined above, the variant was classified as pathogenic.